The following is an entry in ClinVar:

NM_005186.4(CAPN1):c.483C>T (p.Asp161=)

Gene: CAPN1 (calpain 1; plus strand). Cytogenetic location: 11q13.1.
Variant type: single nucleotide variant.
Coding change: c.483C>T on transcript NM_005186.4 (MANE Select); coding-DNA position 483, C replaced by T.
Protein change: p.Asp161=; no amino-acid change (aspartic acid 161 retained).
Molecular consequence: synonymous variant. On other transcripts: non-coding transcript variant (1).
Genome position (GRCh38, 1-based): chr11:65,185,943, C>T. VCF-style: chr11-65185943-C-T. GRCh37 (hg19) VCF-style: chr11-64953414-C-T.
Other names: c.483C>T, p.Asp161= (NM_001198868.2, NM_001198869.2).
Identifiers: ClinVar variation 710004 (VCV000710004.12), dbSNP rs17881255, ClinGen allele CA6093107.

ClinVar aggregate classification (germline): Benign/Likely benign. Review status: criteria provided, multiple submitters, no conflicts (2 of 4 stars). 3 submissions from 3 submitters: Benign (1); Likely benign (2). Last evaluated 2026-05-11.

Conditions:
CAPN1-related disorder. Also called: CAPN1-related condition.

Allele frequency attached by ClinVar (database versions not stated): gnomAD exomes 0.00040 and 0.00084; ExAC 0.00154; ESP Exome Variant Server 0.00281; gnomAD 0.00320 and 0.00333; 1000 Genomes Project 0.00419; TOPMed 0.00422; 1000 Genomes Project 30x 0.00531.
gnomAD v4.1: 1,080 of 1,588,550 alleles (0.068%); highest among the groups gnomAD compares: African/African-American, 1%; 5 homozygotes.

Submissions (3):

PreventionGenetics, part of Exact Sciences
Classification: Likely benign for CAPN1-related condition. Last evaluated: 2026-05-11. Review status: criteria provided, single submitter. Criteria: ACMG Guidelines, 2015. Collection method: clinical testing. Allele origin: germline.
Comment: This variant is classified as likely benign based on ACMG/AMP sequence variant interpretation guidelines (Richards et al. 2015 PMID: 25741868, with internal and published modifications).

Labcorp Genetics (formerly Invitae), Labcorp
Classification: Benign. Last evaluated: 2025-12-14. Review status: criteria provided, single submitter. Criteria: Invitae Variant Classification Sherloc (09022015). Collection method: clinical testing. Allele origin: germline.

Blueprint Genetics
Classification: Likely benign. Last evaluated: 2024-11-13. Review status: criteria provided, single submitter. Criteria: ACMG Guidelines, 2015. Collection method: clinical testing. Allele origin: germline.